The following is an entry in ClinVar:

ClinVar aggregate classification (germline): Uncertain significance (1 of 4 stars; one submission).

Conditions:
Combined immunodeficiency due to LRBA deficiency. Also called: Common variable immunodeficiency 8, with autoimmunity. Identifiers: Orphanet 445018, MedGen C3553512, MONDO:0013863, OMIM 614700.

Allele frequency attached by ClinVar (database versions not stated): TOPMed 0.00002; gnomAD 0.00002 and 0.00001; gnomAD exomes 0.00002; ExAC 0.00002.
gnomAD v4.1: 20 of 1,606,514 alleles (0.0012%); highest among the groups gnomAD compares: East Asian, 0.0045%; no homozygotes.

Submission:

Labcorp Genetics (formerly Invitae), Labcorp
Classification: Uncertain significance for Combined immunodeficiency due to LRBA deficiency. Last evaluated: 2022-06-22. Review status: criteria provided, single submitter. Criteria: Invitae Variant Classification Sherloc (09022015). Collection method: clinical testing. Allele origin: germline.
Comment: This sequence change replaces serine, which is neutral and polar, with leucine, which is neutral and non-polar, at codon 1846 of the LRBA protein (p.Ser1846Leu). This variant is present in population databases (rs751188122, gnomAD 0.01%). This variant has not been reported in the literature in individuals affected with LRBA-related conditions. ClinVar contains an entry for this variant (Variation ID: 540390). Algorithms developed to predict the effect of missense changes on protein structure and function are either unavailable or do not agree on the potential impact of this missense change (SIFT: "Deleterious"; PolyPhen-2: "Benign"; Align-GVGD: "Class C0"). In summary, the available evidence is currently insufficient to determine the role of this variant in disease. Therefore, it has been classified as a Variant of Uncertain Significance.

NM_001364905.1(LRBA):c.5537C>T (p.Ser1846Leu)

Gene: LRBA (LPS responsive beige-like anchor protein; minus strand). Cytogenetic location: 4q31.3.
Variant type: single nucleotide variant.
Coding change: c.5537C>T on transcript NM_001364905.1 (MANE Select); coding-DNA position 5537, C replaced by T.
Protein change: p.Ser1846Leu; replaces serine 1846 with leucine.
Molecular consequence: missense variant.
Genome position (GRCh38, 1-based): chr4:150,798,124, G>A on the plus strand (C>T on the coding strand, the complement: LRBA is on the minus strand). VCF-style: chr4-150798124-G-A. GRCh37 (hg19) VCF-style: chr4-151719276-G-A.
Other names: c.5537C>T, p.Ser1846Leu (NM_001199282.3, NM_001367550.1, NM_006726.5); short protein forms S1846L.
Identifiers: ClinVar variation 540390 (VCV000540390.6), dbSNP rs751188122, ClinGen allele CA3102447.